The following is an entry in ClinVar:

NM_000535.7(PMS2):c.2468A>T (p.Asn823Ile)

Gene: PMS2 (PMS1 homolog 2, mismatch repair system component; minus strand). Cytogenetic location: 7p22.1.
Variant type: single nucleotide variant.
Coding change: c.2468A>T on transcript NM_000535.7 (MANE Select); coding-DNA position 2468, A replaced by T.
Protein change: p.Asn823Ile; replaces asparagine 823 with isoleucine.
Molecular consequence: missense variant. On other transcripts: non-coding transcript variant (1).
Genome position (GRCh38, 1-based): chr7:5,973,520, T>A on the plus strand (A>T on the coding strand, the complement: PMS2 is on the minus strand). VCF-style: chr7-5973520-T-A. GRCh37 (hg19) VCF-style: chr7-6013151-T-A.
Other names: c.2063A>T, p.Asn688Ile (NM_001322003.2, NM_001322004.2, NM_001322005.2 and 11 more transcripts); c.2312A>T, p.Asn771Ile (NM_001322006.2); c.2150A>T, p.Asn717Ile (NM_001322007.2, NM_001322008.2, NM_001406883.1); c.2096A>T, p.Asn699Ile (NM_001322009.2, NM_001406887.1, NM_001406888.1); c.1907A>T, p.Asn636Ile (NM_001322010.2, NM_001406906.1, NM_001406907.1); c.1535A>T, p.Asn512Ile (NM_001322011.2, NM_001322012.2); c.1895A>T, p.Asn632Ile (NM_001322013.2, NM_001406908.1, NM_001406909.1); c.2501A>T, p.Asn834Ile (NM_001322014.2); and 20 more; short protein forms N652I, N668I, N701I, N728I, N885I, N661I, N711I, N767I.
Identifiers: ClinVar variation 3890972 (VCV003890972.1).

ClinVar aggregate classification (germline): Uncertain significance (1 of 4 stars; one submission).

Conditions:
Hereditary cancer-predisposing syndrome. Also called: Tumor predisposition; Neoplastic Syndromes, Hereditary; Hereditary Cancer Syndrome; Hereditary neoplastic syndrome. Identifiers: Orphanet 140162, MedGen C0027672, MeSH D009386, MONDO:0015356.

Submission:

Ambry Genetics
Classification: Uncertain significance for Hereditary cancer-predisposing syndrome. Last evaluated: 2024-12-23. Review status: criteria provided, single submitter. Criteria: Ambry Variant Classification Scheme 2023. Collection method: clinical testing. Allele origin: germline.
Comment: The p.N823I variant (also known as c.2468A>T), located in coding exon 15 of the PMS2 gene, results from an A to T substitution at nucleotide position 2468. The asparagine at codon 823 is replaced by isoleucine, an amino acid with dissimilar properties. This amino acid position is conserved. In addition, the in silico prediction for this alteration is inconclusive. Based on the available evidence, the clinical significance of this variant remains unclear.